The following is an entry in ClinVar:

ClinVar aggregate classification (germline): Uncertain significance (1 of 4 stars; one submission).

Submission:

Labcorp Genetics (formerly Invitae), Labcorp
Classification: Uncertain significance. Last evaluated: 2022-02-04. Review status: criteria provided, single submitter. Criteria: Invitae Variant Classification Sherloc (09022015). Collection method: clinical testing. Allele origin: germline.
Comment: ClinVar contains an entry for this variant (Variation ID: 1025483). This sequence change replaces glycine, which is neutral and non-polar, with glutamic acid, which is acidic and polar, at codon 1650 of the SZT2 protein (p.Gly1650Glu). This variant is not present in population databases (gnomAD no frequency). This variant has not been reported in the literature in individuals affected with SZT2-related conditions. Algorithms developed to predict the effect of missense changes on protein structure and function are either unavailable or do not agree on the potential impact of this missense change (SIFT: "Tolerated"; PolyPhen-2: "Probably Damaging"; Align-GVGD: "Class C0"). In summary, the available evidence is currently insufficient to determine the role of this variant in disease. Therefore, it has been classified as a Variant of Uncertain Significance.

NM_001365999.1(SZT2):c.5120G>A (p.Gly1707Glu)

Gene: SZT2 (SZT2 subunit of KICSTOR complex; plus strand). Cytogenetic location: 1p34.2.
Variant type: single nucleotide variant.
Coding change: c.5120G>A on transcript NM_001365999.1 (MANE Select); coding-DNA position 5120, G replaced by A.
Protein change: p.Gly1707Glu; replaces glycine 1707 with glutamic acid.
Molecular consequence: missense variant.
Genome position (GRCh38, 1-based): chr1:43,431,747, G>A. VCF-style: chr1-43431747-G-A. GRCh37 (hg19) VCF-style: chr1-43897418-G-A.
Other names: c.4949G>A, p.Gly1650Glu (NM_015284.4); short protein forms G1650E, G1707E.
Identifiers: ClinVar variation 1025483 (VCV001025483.8), dbSNP rs1653912221, ClinGen allele CA340023451.